The following is an entry in ClinVar:

NC_000022.11:g.(?_29603999)_(29604122_?)del

Gene: NF2 (NF2, moesin-ezrin-radixin like (MERLIN) tumor suppressor; plus strand). Cytogenetic location: 22q12.2.
Variant type: Deletion.
Identifiers: ClinVar variation 831122 (VCV000831122.1).

ClinVar aggregate classification (germline): Pathogenic (1 of 4 stars; one submission).

Conditions:
Neurofibromatosis, type 2 (SWNV). Also called: BILATERAL ACOUSTIC NEUROFIBROMATOSIS; SCHWANNOMATOSIS, VESTIBULAR; NF2-Related Schwannomatosis. Identifiers: Orphanet 637, MedGen C0027832, MONDO:0007039, OMIM 101000. Disease mechanism: loss of function.

Submission:

Labcorp Genetics (formerly Invitae), Labcorp
Classification: Pathogenic for Neurofibromatosis, type 2. Last evaluated: 2019-10-11. Review status: criteria provided, single submitter. Criteria: Invitae Variant Classification Sherloc (09022015). Collection method: clinical testing. Allele origin: germline.
Comment: This variant is a gross deletion of the genomic region encompassing exon 1 of the NF2 gene, which includes the initiator codon. The 5' end of this event is unknown as it extends beyond the assayed region for this gene and therefore may encompass additional genes. The 3' boundary is likely confined to intron 1 of the NF2 gene. This is expected to result in an absent or disrupted protein product. Similar gross deletions involving the initiator codon have been observed in individuals affected with neurofibromatosis type 2 (PMID: 12807969, 15645494, Invitae). Loss-of-function variants in NF2 are known to be pathogenic (PMID: 9643284, 16983642). For these reasons, this variant has been classified as Pathogenic.

Literature cited by the submitters: PubMed 15645494; PubMed 12807969.